The following is an entry in ClinVar:

NM_031935.3(HMCN1):c.5645T>C (p.Val1882Ala)

Gene: HMCN1 (hemicentin 1; plus strand). Cytogenetic location: 1q31.1.
Variant type: single nucleotide variant.
Coding change: c.5645T>C on transcript NM_031935.3 (MANE Select); coding-DNA position 5645, T replaced by C.
Protein change: p.Val1882Ala; replaces valine 1882 with alanine.
Molecular consequence: missense variant.
Genome position (GRCh38, 1-based): chr1:186,023,049, T>C. VCF-style: chr1-186023049-T-C. GRCh37 (hg19) VCF-style: chr1-185992181-T-C.
Other names: short protein forms V1882A.
Identifiers: ClinVar variation 3620991 (VCV003620991.2).

ClinVar aggregate classification (germline): Uncertain significance (1 of 4 stars; one submission).

gnomAD v4.1: 1 of 1,613,462 alleles (0.000062%); highest among the groups gnomAD compares: Non-Finnish European, 0.000085%; no homozygotes.

Submission:

Labcorp Genetics (formerly Invitae), Labcorp
Classification: Uncertain significance. Last evaluated: 2024-04-03. Review status: criteria provided, single submitter. Criteria: Invitae Variant Classification Sherloc (09022015). Collection method: clinical testing. Allele origin: germline.
Comment: This sequence change replaces valine, which is neutral and non-polar, with alanine, which is neutral and non-polar, at codon 1882 of the HMCN1 protein (p.Val1882Ala). This variant is not present in population databases (gnomAD no frequency). This variant has not been reported in the literature in individuals affected with HMCN1-related conditions. An algorithm developed to predict the effect of missense changes on protein structure and function (PolyPhen-2) suggests that this variant is likely to be tolerated. In summary, the available evidence is currently insufficient to determine the role of this variant in disease. Therefore, it has been classified as a Variant of Uncertain Significance.